The following is an entry in ClinVar:

NM_001206927.2(DNAH8):c.12952G>T (p.Gly4318Cys)

Gene: DNAH8 (dynein axonemal heavy chain 8; plus strand). Cytogenetic location: 6p21.2.
Variant type: single nucleotide variant.
Coding change: c.12952G>T on transcript NM_001206927.2 (MANE Select); coding-DNA position 12952, G replaced by T.
Protein change: p.Gly4318Cys; replaces glycine 4318 with cysteine.
Molecular consequence: missense variant.
Genome position (GRCh38, 1-based): chr6:38,984,206, G>T. VCF-style: chr6-38984206-G-T. GRCh37 (hg19) VCF-style: chr6-38951982-G-T.
Other names: c.12301G>T, p.Gly4101Cys (NM_001371.4); short protein forms G4101C, G4318C.
Identifiers: ClinVar variation 1382698 (VCV001382698.5), dbSNP rs1427875858, ClinGen allele CA364009510.

ClinVar aggregate classification (germline): Uncertain significance (1 of 4 stars; one submission).

Conditions:
Primary ciliary dyskinesia. Also called: Ciliary dyskinesia. Identifiers: Orphanet 244, MedGen C0008780, MONDO:0016575, HP:0012265.

Allele frequency attached by ClinVar (database versions not stated): TOPMed 0.00001.
gnomAD v4.1: 3 of 1,523,456 alleles (0.0002%); highest among the groups gnomAD compares: South Asian, 0.0023%; no homozygotes.

Submission:

Labcorp Genetics (formerly Invitae), Labcorp
Classification: Uncertain significance for Primary ciliary dyskinesia. Last evaluated: 2021-10-22. Review status: criteria provided, single submitter. Criteria: Invitae Variant Classification Sherloc (09022015). Collection method: clinical testing. Allele origin: germline.
Comment: Algorithms developed to predict the effect of missense changes on protein structure and function are either unavailable or do not agree on the potential impact of this missense change (SIFT: "Deleterious"; PolyPhen-2: "Not Available"; Align-GVGD: "Class C0"). Algorithms developed to predict the effect of sequence changes on RNA splicing suggest that this variant may disrupt the consensus splice site. In summary, the available evidence is currently insufficient to determine the role of this variant in disease. Therefore, it has been classified as a Variant of Uncertain Significance. This sequence change replaces glycine with cysteine at codon 4318 of the DNAH8 protein (p.Gly4318Cys). The glycine residue is highly conserved and there is a large physicochemical difference between glycine and cysteine. This variant is not present in population databases (ExAC no frequency). This variant has not been reported in the literature in individuals affected with DNAH8-related conditions.